The following is an entry in ClinVar:

NM_001903.5(CTNNA1):c.781G>A (p.Ala261Thr)

Gene: CTNNA1 (catenin alpha 1; plus strand). Cytogenetic location: 5q31.2.
Variant type: single nucleotide variant.
Coding change: c.781G>A on transcript NM_001903.5 (MANE Select); coding-DNA position 781, G replaced by A.
Protein change: p.Ala261Thr; replaces alanine 261 with threonine.
Molecular consequence: missense variant.
Genome position (GRCh38, 1-based): chr5:138,824,722, G>A. VCF-style: chr5-138824722-G-A. GRCh37 (hg19) VCF-style: chr5-138160411-G-A.
Other names: c.781G>A (NM_001903.2); c.781G>A, p.Ala261Thr (NM_001323984.2, NM_001323985.2, NM_001323986.2 and 3 more transcripts); c.472G>A, p.Ala158Thr (NM_001290309.3); c.412G>A, p.Ala138Thr (NM_001290310.3); short protein forms A138T, A158T, A261T.
Identifiers: ClinVar variation 3249102 (VCV003249102.3).

ClinVar aggregate classification (germline): Uncertain significance. Review status: criteria provided, multiple submitters, no conflicts (2 of 4 stars). 3 submissions from 3 submitters: Uncertain significance (2). 1 of the submissions does not count toward it. Last evaluated 2026-01-27.

Conditions:
Retinal dystrophy. Also called: Inherited retinal dystrophy. Identifiers: Orphanet 71862, MedGen C0854723, MeSH D058499, MONDO:0019118, HP:0000556.
Hereditary cancer-predisposing syndrome. Also called: Tumor predisposition; Hereditary Cancer Syndrome; Hereditary neoplastic syndrome; Neoplastic Syndromes, Hereditary. Identifiers: Orphanet 140162, MedGen C0027672, MeSH D009386, MONDO:0015356.

Submissions (3):

Labcorp Genetics (formerly Invitae), Labcorp
Classification: Uncertain significance. Last evaluated: 2026-01-27. Review status: criteria provided, single submitter. Criteria: Invitae Variant Classification Sherloc (09022015). Collection method: clinical testing. Allele origin: germline.
Comment: This sequence change replaces alanine, which is neutral and non-polar, with threonine, which is neutral and polar, at codon 261 of the CTNNA1 protein (p.Ala261Thr). This variant is not present in population databases (gnomAD no frequency). This variant has not been reported in the literature in individuals affected with CTNNA1-related conditions. ClinVar contains an entry for this variant (Variation ID: 3249102). Invitae Evidence Modeling of protein sequence and biophysical properties (such as structural, functional, and spatial information, amino acid conservation, physicochemical variation, residue mobility, and thermodynamic stability) indicates that this missense variant is not expected to disrupt CTNNA1 protein function with a negative predictive value of 80%. In summary, the available evidence is currently insufficient to determine the role of this variant in disease. Therefore, it has been classified as a Variant of Uncertain Significance.

Ambry Genetics
Classification: Uncertain significance for Hereditary cancer-predisposing syndrome. Last evaluated: 2026-01-21. Review status: criteria provided, single submitter. Criteria: Ambry Variant Classification Scheme 2023. Collection method: clinical testing. Allele origin: germline.

Institute of Human Genetics, Univ. Regensburg, Univ. Regensburg
Classification: Uncertain significance for Retinal dystrophy. Last evaluated: 2022-01-01. Review status: no assertion criteria provided. Criteria: ACMG Guidelines, 2015. Collection method: clinical testing. Allele origin: germline. Affected: yes. Not counted in ClinVar's aggregate classification.